The following is an entry in ClinVar:

NM_003128.3(SPTBN1):c.6355T>C (p.Trp2119Arg)

Gene: SPTBN1 (spectrin beta, non-erythrocytic 1; plus strand). Cytogenetic location: 2p16.2.
Variant type: single nucleotide variant.
Coding change: c.6355T>C on transcript NM_003128.3 (MANE Select); coding-DNA position 6355, T replaced by C.
Protein change: p.Trp2119Arg; replaces tryptophan 2119 with arginine.
Molecular consequence: missense variant.
Genome position (GRCh38, 1-based): chr2:54,659,265, T>C. VCF-style: chr2-54659265-T-C. GRCh37 (hg19) VCF-style: chr2-54886402-T-C.
Other names: c.6316T>C, p.Trp2106Arg (NM_178313.3); short protein forms W2106R, W2119R.
Identifiers: ClinVar variation 3346538 (VCV003346538.1).
Genomic context (GRCh38, chr2:54,659,265, plus strand): 5'-CGGCCGCCTTCTCCCGAGCCGAGCACGAAGGTTTCAGAGGAAGCCGAGTCCCAGCAGCAG[T>C]GGTGAGTCCCAGCAGCTCCAGAGGCTGGACCCTTAGCCTCGGTGGCCAATGAGGTTTATG-3'
Protein context (NP_003119.2, residues 2109-2129): VSEEAESQQQ[Trp2119Arg]DTSKGEQVSQ

ClinVar aggregate classification (germline): Uncertain significance (0 of 4 stars; one submission).

Conditions:
SPTBN1-related disorder. Also called: SPTBN1-related condition.

Submission:

PreventionGenetics, part of Exact Sciences
Classification: Uncertain significance for SPTBN1-related condition. Last evaluated: 2024-09-16. Review status: no assertion criteria provided. Collection method: clinical testing. Allele origin: germline.
Comment: The SPTBN1 c.6355T>C variant is predicted to result in the amino acid substitution p.Trp2119Arg. To our knowledge, this variant has not been reported in the literature or in a large population database, indicating this variant is rare. At this time, the clinical significance of this variant is uncertain due to the absence of conclusive functional and genetic evidence.